The following is an entry in ClinVar:

NM_023034.2(NSD3):c.237G>T (p.Val79=)

Gene: NSD3 (nuclear receptor binding SET domain protein 3; minus strand). Cytogenetic location: 8p11.23.
Variant type: single nucleotide variant.
Coding change: c.237G>T on transcript NM_023034.2 (MANE Select); coding-DNA position 237, G replaced by T.
Protein change: p.Val79=; no amino-acid change (valine 79 retained).
Molecular consequence: synonymous variant.
Genome position (GRCh38, 1-based): chr8:38,347,935, C>A on the plus strand (G>T on the coding strand, the complement: NSD3 is on the minus strand). VCF-style: chr8-38347935-C-A. GRCh37 (hg19) VCF-style: chr8-38205453-C-A.
Other names: c.237G>T, p.Val79= (NM_017778.3).
Identifiers: ClinVar variation 3043083 (VCV003043083.2), dbSNP rs578144675, ClinGen allele CA4717568.
Genomic context (GRCh38, chr8:38,347,935, plus strand): 5'-GCCATTGGCTGACCCATTAGGATACTGATTATATGACTGGTATTTGGTTTGAGTTTCATA[C>A]ACACTGATTGATGATGGATACCCATTTGTGAGTGGAGGAAGATCTTCTGTTGTAGCTGGG-3'
Protein context (NP_075447.1, residues 69-89): LTNGYPSSIS[Val79=]YETQTKYQSY

ClinVar aggregate classification (germline): Likely benign (0 of 4 stars; one submission).

Conditions:
NSD3-related disorder. Also called: NSD3-related condition.

Allele frequency attached by ClinVar (database versions not stated): TOPMed 0.00002; gnomAD 0.00006; gnomAD exomes 0.00009; ExAC 0.00017; 1000 Genomes Project 0.00060; 1000 Genomes Project 30x 0.00062.
gnomAD v4.1: 139 of 1,614,218 alleles (0.0086%); highest among the groups gnomAD compares: South Asian, 0.14%; no homozygotes.

Submission:

PreventionGenetics, part of Exact Sciences
Classification: Likely benign for NSD3-related condition. Last evaluated: 2019-06-27. Review status: no assertion criteria provided. Collection method: clinical testing. Allele origin: germline.
Comment: This variant is classified as likely benign based on ACMG/AMP sequence variant interpretation guidelines (Richards et al. 2015 PMID: 25741868, with internal and published modifications).